The following is an entry in ClinVar:

NM_001291303.3(FAT4):c.14762T>G (p.Met4921Arg)

Gene: FAT4 (FAT atypical cadherin 4; plus strand). Cytogenetic location: 4q28.1.
Variant type: single nucleotide variant.
Coding change: c.14762T>G on transcript NM_001291303.3 (MANE Select); coding-DNA position 14762, T replaced by G.
Protein change: p.Met4921Arg; replaces methionine 4921 with arginine.
Molecular consequence: missense variant.
Genome position (GRCh38, 1-based): chr4:125,491,578, T>G. VCF-style: chr4-125491578-T-G. GRCh37 (hg19) VCF-style: chr4-126412733-T-G.
Other names: c.14759T>G, p.Met4920Arg (NM_001291285.3); c.14756T>G, p.Met4919Arg (NM_024582.6); short protein forms M4920R, M4919R, M4921R.
Identifiers: ClinVar variation 2078973 (VCV002078973.4), dbSNP rs1264855798, ClinGen allele CA358143527.

ClinVar aggregate classification (germline): Uncertain significance (1 of 4 stars; one submission).

Allele frequency attached by ClinVar (database versions not stated): TOPMed below 0.00001; gnomAD 0.00001.
gnomAD v4.1: 13 of 1,614,042 alleles (0.00081%); highest among the groups gnomAD compares: African/African-American, 0.0013%; no homozygotes.

Submission:

Labcorp Genetics (formerly Invitae), Labcorp
Classification: Uncertain significance. Last evaluated: 2024-10-24. Review status: criteria provided, single submitter. Criteria: Invitae Variant Classification Sherloc (09022015). Collection method: clinical testing. Allele origin: germline.
Comment: This sequence change replaces methionine, which is neutral and non-polar, with arginine, which is basic and polar, at codon 4919 of the FAT4 protein (p.Met4919Arg). This variant is not present in population databases (gnomAD no frequency). This variant has not been reported in the literature in individuals affected with FAT4-related conditions. ClinVar contains an entry for this variant (Variation ID: 2078973). Invitae Evidence Modeling of protein sequence and biophysical properties (such as structural, functional, and spatial information, amino acid conservation, physicochemical variation, residue mobility, and thermodynamic stability) indicates that this missense variant is not expected to disrupt FAT4 protein function with a negative predictive value of 95%. In summary, the available evidence is currently insufficient to determine the role of this variant in disease. Therefore, it has been classified as a Variant of Uncertain Significance.